The following is an entry in ClinVar:

NM_199420.4(POLQ):c.6610A>C (p.Thr2204Pro)

Gene: POLQ (DNA polymerase theta; minus strand). Cytogenetic location: 3q13.33.
Variant type: single nucleotide variant.
Coding change: c.6610A>C on transcript NM_199420.4 (MANE Select); coding-DNA position 6610, A replaced by C.
Protein change: p.Thr2204Pro; replaces threonine 2204 with proline.
Molecular consequence: missense variant.
Genome position (GRCh38, 1-based): chr3:121,472,098, T>G on the plus strand (A>C on the coding strand, the complement: POLQ is on the minus strand). VCF-style: chr3-121472098-T-G. GRCh37 (hg19) VCF-style: chr3-121190945-T-G.
Other names: short protein forms T2204P.
Identifiers: ClinVar variation 3308705 (VCV003308705.1).

ClinVar aggregate classification (germline): Uncertain significance (1 of 4 stars; one submission).

Submission:

Ambry Genetics
Classification: Uncertain significance. Last evaluated: 2024-05-30. Review status: criteria provided, single submitter. Criteria: Ambry Variant Classification Scheme 2023. Collection method: clinical testing. Allele origin: germline.
Comment: The p.T2204P variant (also known as c.6610A>C), located in coding exon 22 of the POLQ gene, results from an A to C substitution at nucleotide position 6610. The threonine at codon 2204 is replaced by proline, an amino acid with highly similar properties. This amino acid position is conserved. In addition, the in silico prediction for this alteration is inconclusive. Based on the available evidence, the clinical significance of this variant remains unclear.